The following is an entry in ClinVar:

NM_001939.3(DRP2):c.682C>T (p.Arg228Trp)

Gene: DRP2 (dystrophin related protein 2; plus strand). Cytogenetic location: Xq22.1.
Variant type: single nucleotide variant.
Coding change: c.682C>T on transcript NM_001939.3 (MANE Select); coding-DNA position 682, C replaced by T.
Protein change: p.Arg228Trp; replaces arginine 228 with tryptophan.
Molecular consequence: missense variant.
Genome position (GRCh38, 1-based): chrX:101,241,790, C>T. VCF-style: chrX-101241790-C-T. GRCh37 (hg19) VCF-style: chrX-100496779-C-T.
Other names: c.682C>T (NM_001939.2); c.448C>T, p.Arg150Trp (NM_001171184.2); short protein forms R228W, R150W.
Identifiers: ClinVar variation 2061190 (VCV002061190.5), dbSNP rs748167677, ClinGen allele CA10472123.

ClinVar aggregate classification (germline): Uncertain significance. Review status: criteria provided, multiple submitters, no conflicts (2 of 4 stars). 2 submissions from 2 submitters: Uncertain significance (2). Last evaluated 2026-04-14.

Allele frequency attached by ClinVar (database versions not stated): gnomAD 0.00001; ExAC 0.00001.
gnomAD v4.1: 10 of 1,209,537 alleles (0.00083%); highest among the groups gnomAD compares: East Asian, 0.003%; no homozygotes.

Submissions (2):

Ambry Genetics
Classification: Uncertain significance. Last evaluated: 2026-04-14. Review status: criteria provided, single submitter. Criteria: Ambry Variant Classification Scheme 2023. Collection method: clinical testing. Allele origin: germline.

Labcorp Genetics (formerly Invitae), Labcorp
Classification: Uncertain significance. Last evaluated: 2025-10-29. Review status: criteria provided, single submitter. Criteria: Invitae Variant Classification Sherloc (09022015). Collection method: clinical testing. Allele origin: germline.
Comment: This sequence change replaces arginine, which is basic and polar, with tryptophan, which is neutral and slightly polar, at codon 228 of the DRP2 protein (p.Arg228Trp). The frequency data for this variant in the population databases is considered unreliable, as metrics indicate poor data quality at this position in the gnomAD database. This variant has not been reported in the literature in individuals affected with DRP2-related conditions. ClinVar contains an entry for this variant (Variation ID: 2061190). Invitae Evidence Modeling of protein sequence and biophysical properties (such as structural, functional, and spatial information, amino acid conservation, physicochemical variation, residue mobility, and thermodynamic stability) indicates that this missense variant is not expected to disrupt DRP2 protein function with a negative predictive value of 80%. In summary, the available evidence is currently insufficient to determine the role of this variant in disease. Therefore, it has been classified as a Variant of Uncertain Significance.